The following is an entry in ClinVar:

ClinVar aggregate classification (germline): Uncertain significance. Review status: criteria provided, multiple submitters, no conflicts (2 of 4 stars). 2 submissions from 2 submitters: Uncertain significance (2). Last evaluated 2024-12-01.

Allele frequency attached by ClinVar (database versions not stated): gnomAD exomes 0.00001.
gnomAD v4.1: 9 of 1,536,142 alleles (0.00059%); highest among the groups gnomAD compares: Non-Finnish European, 0.0007%; no homozygotes.

Submissions (2):

CeGaT Center for Human Genetics Tuebingen
Classification: Uncertain significance. Last evaluated: 2024-12-01. Review status: criteria provided, single submitter. Criteria: CeGaT Center For Human Genetics Tuebingen Variant Classification Criteria Version 2. Collection method: clinical testing. Allele origin: germline. Affected: yes. Observed: 1 variant allele.
Comment: NEFH: PM2

Labcorp Genetics (formerly Invitae), Labcorp
Classification: Uncertain significance. Last evaluated: 2021-10-23. Review status: criteria provided, single submitter. Criteria: Invitae Variant Classification Sherloc (09022015). Collection method: clinical testing. Allele origin: germline.
Comment: This sequence change replaces serine with alanine at codon 43 of the NEFH protein (p.Ser43Ala). The serine residue is highly conserved and there is a moderate physicochemical difference between serine and alanine. The frequency data for this variant in the population databases is considered unreliable, as metrics indicate insufficient coverage at this position in the ExAC database. This variant has not been reported in the literature in individuals affected with NEFH-related conditions. Advanced modeling of protein sequence and biophysical properties (such as structural, functional, and spatial information, amino acid conservation, physicochemical variation, residue mobility, and thermodynamic stability) performed at Invitae indicates that this missense variant is not expected to disrupt NEFH protein function. In summary, the available evidence is currently insufficient to determine the role of this variant in disease. Therefore, it has been classified as a Variant of Uncertain Significance.

NM_021076.4(NEFH):c.127T>G (p.Ser43Ala)

Gene: NEFH (neurofilament heavy chain; plus strand). Cytogenetic location: 22q12.2.
Variant type: single nucleotide variant.
Coding change: c.127T>G on transcript NM_021076.4 (MANE Select); coding-DNA position 127, T replaced by G.
Protein change: p.Ser43Ala; replaces serine 43 with alanine.
Molecular consequence: missense variant.
Genome position (GRCh38, 1-based): chr22:29,480,389, T>G. VCF-style: chr22-29480389-T-G. GRCh37 (hg19) VCF-style: chr22-29876378-T-G.
Other names: short protein forms S43A.
Identifiers: ClinVar variation 1357812 (VCV001357812.19), dbSNP rs1438730913, ClinGen allele CA411121482.